The following is an entry in ClinVar:

NM_015978.3(TNNI3K):c.236-3A>G

Genes: FPGT-TNNI3K (FPGT-TNNI3K readthrough; plus strand), TNNI3K (TNNI3 interacting kinase; plus strand). Cytogenetic location: 1p31.1.
Variant type: single nucleotide variant.
Coding change: c.236-3A>G on transcript NM_015978.3 (MANE Select); 3 bases into the intron before coding-DNA position 236, A replaced by G.
Molecular consequence: intron variant.
Genome position (GRCh38, 1-based): chr1:74,250,669, A>G. VCF-style: chr1-74250669-A-G. GRCh37 (hg19) VCF-style: chr1-74716353-A-G.
Other names: c.539-3A>G (NM_001112808.3, NM_001199327.2).
Identifiers: ClinVar variation 2163234 (VCV002163234.4), dbSNP rs760637494, ClinGen allele CA908829.

ClinVar aggregate classification (germline): Uncertain significance (1 of 4 stars; one submission).

Allele frequency attached by ClinVar (database versions not stated): gnomAD 0.00001; gnomAD exomes 0.00001; ExAC 0.00002.
gnomAD v4.1: 14 of 1,606,492 alleles (0.00087%); highest among the groups gnomAD compares: Non-Finnish European, 0.001%; no homozygotes.

Submission:

Labcorp Genetics (formerly Invitae), Labcorp
Classification: Uncertain significance. Last evaluated: 2025-06-27. Review status: criteria provided, single submitter. Criteria: Invitae Variant Classification Sherloc (09022015). Collection method: clinical testing. Allele origin: germline.
Comment: This sequence change falls in intron 3 of the TNNI3K gene. It does not directly change the encoded amino acid sequence of the TNNI3K protein. It affects a nucleotide within the consensus splice site. This variant is present in population databases (rs760637494, gnomAD 0.003%). This variant has not been reported in the literature in individuals affected with TNNI3K-related conditions. ClinVar contains an entry for this variant (Variation ID: 2163234). Variants that disrupt the consensus splice site are a relatively common cause of aberrant splicing (PMID: 17576681, 9536098). Algorithms developed to predict the effect of sequence changes on RNA splicing suggest that this variant may create or strengthen a splice site. In summary, the available evidence is currently insufficient to determine the role of this variant in disease. Therefore, it has been classified as a Variant of Uncertain Significance.

Literature cited by the submitters: PubMed 17576681; PubMed 9536098.